The following is an entry in ClinVar:

NM_018896.5(CACNA1G):c.5100G>A (p.Ser1700=)

Gene: CACNA1G (calcium voltage-gated channel subunit alpha1 G; plus strand). Cytogenetic location: 17q21.33.
Variant type: single nucleotide variant.
Coding change: c.5100G>A on transcript NM_018896.5 (MANE Select); coding-DNA position 5100, G replaced by A.
Protein change: p.Ser1700=; no amino-acid change (serine 1700 retained).
Molecular consequence: synonymous variant. On other transcripts: non-coding transcript variant (5).
Genome position (GRCh38, 1-based): chr17:50,617,516, G>A. VCF-style: chr17-50617516-G-A. GRCh37 (hg19) VCF-style: chr17-48694877-G-A.
Other names: c.5046G>A, p.Ser1682= (NM_001256324.2, NM_001256328.2, NM_198386.3); c.5121G>A, p.Ser1707= (NM_001256325.2); c.4965G>A, p.Ser1655= (NM_001256326.2, NM_001256330.2); c.5100G>A, p.Ser1700= (NM_001256327.2, NM_001256333.2, NM_198384.3 and 1 more transcripts); c.4998G>A, p.Ser1666= (NM_001256329.2, NM_198376.3, NM_198379.3 and 2 more transcripts); c.4944G>A, p.Ser1648= (NM_001256331.2); c.4929G>A, p.Ser1643= (NM_001256332.2); c.5067G>A, p.Ser1689= (NM_001256334.2, NM_198377.3, NM_198378.3 and 1 more transcripts); and 5 more.
Identifiers: ClinVar variation 790181 (VCV000790181.35), dbSNP rs61739923, ClinGen allele CA8653290.

ClinVar aggregate classification (germline): Benign/Likely benign. Review status: criteria provided, multiple submitters, no conflicts (2 of 4 stars). 6 submissions from 6 submitters: Benign (4); Likely benign (1). 1 of the submissions does not count toward it. Last evaluated 2026-01-12.

Conditions:
CACNA1G-related disorder. Also called: CACNA1G-related condition; CACNA1G-related disorders.

Allele frequency attached by ClinVar (database versions not stated): gnomAD exomes 0.00022 and 0.00055; ExAC 0.00067; 1000 Genomes Project 30x 0.00219; 1000 Genomes Project 0.00220; gnomAD 0.00239 and 0.00255; TOPMed 0.00277; ESP Exome Variant Server 0.00303.
gnomAD v4.1: 693 of 1,614,000 alleles (0.043%); highest among the groups gnomAD compares: African/African-American, 0.85%; 5 homozygotes.

Submissions (6):

Labcorp Genetics (formerly Invitae), Labcorp
Classification: Benign. Last evaluated: 2026-01-12. Review status: criteria provided, single submitter. Criteria: Invitae Variant Classification Sherloc (09022015). Collection method: clinical testing. Allele origin: germline.

Blueprint Genetics
Classification: Likely benign. Last evaluated: 2024-11-25. Review status: criteria provided, single submitter. Criteria: ACMG Guidelines, 2015. Collection method: clinical testing. Allele origin: germline.

CeGaT Center for Human Genetics Tuebingen
Classification: Benign. Last evaluated: 2022-07-01. Review status: criteria provided, single submitter. Criteria: CeGaT Center For Human Genetics Tuebingen Variant Classification Criteria Version 2. Collection method: clinical testing. Allele origin: germline. Affected: yes. Observed: 1 variant allele.
Comment: CACNA1G: BS1, BS2

GeneDx
Classification: Benign. Last evaluated: 2021-05-13. Review status: criteria provided, single submitter. Criteria: GeneDx Variant Classification Process June 2021. Collection method: clinical testing. Allele origin: germline. Affected: yes.

Breakthrough Genomics
Classification: Benign. Review status: criteria provided, single submitter. Criteria: ACMG Guidelines, 2015. Collection method: not provided. Allele origin: germline. Inheritance: Autosomal dominant inheritance. Affected: yes.

PreventionGenetics, part of Exact Sciences
Classification: Benign for CACNA1G-related condition. Last evaluated: 2019-11-18. Review status: no assertion criteria provided. Collection method: clinical testing. Allele origin: germline. Not counted in ClinVar's aggregate classification.
Comment: This variant is classified as benign based on ACMG/AMP sequence variant interpretation guidelines (Richards et al. 2015 PMID: 25741868, with internal and published modifications).